The following is an entry in ClinVar:

NM_007194.4(CHEK2):c.1213A>G (p.Asn405Asp)

Gene: CHEK2 (checkpoint kinase 2; minus strand). Cytogenetic location: 22q12.1.
Variant type: single nucleotide variant.
Coding change: c.1213A>G on transcript NM_007194.4 (MANE Select); coding-DNA position 1213, A replaced by G.
Protein change: p.Asn405Asp; replaces asparagine 405 with aspartic acid.
Molecular consequence: missense variant.
Genome position (GRCh38, 1-based): chr22:28,695,756, T>C on the plus strand (A>G on the coding strand, the complement: CHEK2 is on the minus strand). VCF-style: chr22-28695756-T-C. GRCh37 (hg19) VCF-style: chr22-29091744-T-C.
Other names: c.1342A>G, p.Asn448Asp (NM_001005735.3); c.550A>G, p.Asn184Asp (NM_001257387.3); c.1012A>G, p.Asn338Asp (NM_001349956.3); c.1126A>G, p.Asn376Asp (NM_145862.3); c.1213A>G (NM_007194.3); short protein forms N405D, N448D, N184D, N376D, N338D.
Identifiers: ClinVar variation 2117694 (VCV002117694.5), dbSNP rs2145802765, ClinGen allele CA411096727.

ClinVar aggregate classification (germline): Uncertain significance. Review status: criteria provided, multiple submitters, no conflicts (2 of 4 stars). 2 submissions from 2 submitters: Uncertain significance (2). Last evaluated 2026-03-11.

Conditions:
Hereditary cancer-predisposing syndrome. Also called: Neoplastic Syndromes, Hereditary; Tumor predisposition; Hereditary Cancer Syndrome; Hereditary neoplastic syndrome. Identifiers: Orphanet 140162, MedGen C0027672, MeSH D009386, MONDO:0015356.
Familial cancer of breast. Also called: BREAST CANCER, FAMILIAL; Hereditary breast cancer; hereditary breast carcinoma. Identifiers: Orphanet 227535, MedGen C0346153, MONDO:0016419, OMIM 114480. Disease mechanism: loss of function.

Submissions (2):

Ambry Genetics
Classification: Uncertain significance for Hereditary cancer-predisposing syndrome. Last evaluated: 2026-03-11. Review status: criteria provided, single submitter. Criteria: Ambry Variant Classification Scheme 2023. Collection method: clinical testing. Allele origin: germline.
Comment: The p.N405D variant (also known as c.1213A>G), located in coding exon 10 of the CHEK2 gene, results from an A to G substitution at nucleotide position 1213. The asparagine at codon 405 is replaced by aspartic acid, an amino acid with highly similar properties. This amino acid position is conserved. In addition, this alteration is predicted to be tolerated by in silico analysis. Based on the available evidence, the clinical significance of this variant remains unclear.

Labcorp Genetics (formerly Invitae), Labcorp
Classification: Uncertain significance for Familial cancer of breast. Last evaluated: 2022-09-15. Review status: criteria provided, single submitter. Criteria: Invitae Variant Classification Sherloc (09022015). Collection method: clinical testing. Allele origin: germline.
Comment: This sequence change replaces asparagine, which is neutral and polar, with aspartic acid, which is acidic and polar, at codon 405 of the CHEK2 protein (p.Asn405Asp). This variant is not present in population databases (gnomAD no frequency). This variant has not been reported in the literature in individuals affected with CHEK2-related conditions. Algorithms developed to predict the effect of missense changes on protein structure and function (SIFT, PolyPhen-2, Align-GVGD) all suggest that this variant is likely to be tolerated. In summary, the available evidence is currently insufficient to determine the role of this variant in disease. Therefore, it has been classified as a Variant of Uncertain Significance.